The following is an entry in ClinVar:

ClinVar aggregate classification (germline): Uncertain significance. Review status: criteria provided, multiple submitters, no conflicts (2 of 4 stars). 3 submissions from 3 submitters: Uncertain significance (2). 1 of the submissions does not count toward it. Last evaluated 2023-09-01.

Conditions:
Myopia 28, autosomal recessive (MYP28). Identifiers: MedGen C5676935, MONDO:0030697, OMIM 619781.
Stickler syndrome type 1 (STL1). Also called: ARTHROOPHTHALMOPATHY, HEREDITARY PROGRESSIVE; STICKLER SYNDROME, MEMBRANOUS VITREOUS TYPE; STICKLER SYNDROME, VITREOUS TYPE 1; COL2A1-Related Stickler Syndrome. Identifiers: Orphanet 828, Orphanet 90653, MedGen C2020284, MONDO:0007160, OMIM 108300.

Submissions (3):

Labcorp Genetics (formerly Invitae), Labcorp
Classification: Uncertain significance. Last evaluated: 2023-09-01. Review status: criteria provided, single submitter. Criteria: Invitae Variant Classification Sherloc (09022015). Collection method: clinical testing. Allele origin: germline.
Comment: In summary, the available evidence is currently insufficient to determine the role of this variant in disease. Therefore, it has been classified as a Variant of Uncertain Significance. ClinVar contains an entry for this variant (Variation ID: 1343104). This premature translational stop signal has been observed in individual(s) with clinical features of LOXL3-related conditions (PMID: 33456446; Invitae). The frequency data for this variant in the population databases is considered unreliable, as metrics indicate poor data quality at this position in the gnomAD database. This sequence change creates a premature translational stop signal (p.Ala277Cysfs*57) in the LOXL3 gene. It is expected to result in an absent or disrupted protein product. However, the current clinical and genetic evidence is not sufficient to establish whether loss-of-function variants in LOXL3 cause disease.

Neuberg Centre For Genomic Medicine, NCGM
Classification: Uncertain significance for Stickler syndrome type 1. Review status: criteria provided, single submitter. Criteria: ACMG Guidelines, 2015. Collection method: clinical testing. Allele origin: germline. Inheritance: Autosomal recessive inheritance. Affected: yes.
Comment: The above variant has not been reported previously in affected individuals, to our knowledge. This variant causes a frameshift starting with codon Alanine 277, changes this amino acid to Cystine residue, and creates a premature Stop codon at position 57 of the new reading frame, denoted p.Ala277CysfsTer57. Even though this variant is not present in last exon, downstream Pathogenic/ Likely Pathogenic variants are not reported. Hence, additional functional evidence will be required to prove protein truncation. For these reasons, this variant has been classified as Variant of Uncertain Significance (VUS).

OMIM
Classification: Pathogenic for MYOPIA 28, AUTOSOMAL RECESSIVE. Last evaluated: 2022-03-08. Review status: no assertion criteria provided. Collection method: literature only. Allele origin: germline. Not counted in ClinVar's aggregate classification.

Literature cited by the submitters: PubMed 33456446 (cited by Labcorp Genetics (formerly Invitae), Labcorp and OMIM).

NM_032603.5(LOXL3):c.824dup (p.Ala277fs)

Gene: LOXL3 (lysyl oxidase like 3; minus strand). Cytogenetic location: 2p13.1.
Variant type: Duplication.
Coding change: c.824dup on transcript NM_032603.5 (MANE Select); coding-DNA position 824, one base duplicated (G; older notation c.824dupG).
Protein change: p.Ala277fs; shifts the reading frame from alanine 277.
Molecular consequence: frameshift variant. On other transcripts: intron variant (2).
Genome position (GRCh38, 1-based): chr2:74,536,797, C duplicated on the plus strand (G on the coding strand, the reverse complement: LOXL3 is on the minus strand); the first of 8 consecutive C bases (chr2:74,536,797-74,536,804); duplicating any one gives the same sequence. VCF-style (leftmost placement, unchanged base first): chr2-74536796-G-GC. GRCh37 (hg19) VCF-style: chr2-74763923-G-GC.
Other names: c.478-326dup (NM_001289164.3); c.-171-326dup (NM_001289165.2); short protein forms A277fs.
Identifiers: ClinVar variation 1343104 (VCV001343104.5), dbSNP rs746133895, ClinGen allele CA1729073.
Genomic context (GRCh38, chr2:74,536,796, plus strand): 5'-CTTCTTCTGGCCACTGGATGCCGCGTAGACAGGGCCTGGCACACAGCTCACCACTGCAGG[G>GC]CCCCCCCCAGGGCACCTGGCGGTGTCATTGGCACGATAGAACTCCAGGGAACAGAGGGAG-3'